The following is an entry in ClinVar:

NM_198253.3(TERT):c.2582+6G>A

Gene: TERT (telomerase reverse transcriptase; minus strand). Cytogenetic location: 5p15.33.
Variant type: single nucleotide variant.
Coding change: c.2582+6G>A on transcript NM_198253.3 (MANE Select); 6 bases into the intron after coding-DNA position 2582, G replaced by A.
Molecular consequence: intron variant.
Genome position (GRCh38, 1-based): chr5:1,268,514, C>T on the plus strand (G>A on the coding strand, the complement: TERT is on the minus strand). VCF-style: chr5-1268514-C-T. GRCh37 (hg19) VCF-style: chr5-1268629-C-T.
Other names: c.2582+6G>A (NM_001193376.3).
Identifiers: ClinVar variation 1432082 (VCV001432082.6), dbSNP rs2126607087, ClinGen allele CA2573138623.
Genomic context (GRCh38, chr5:1,268,514, plus strand): 5'-AACACTGAATGCATCAAAAGCAAATCAACCCCCACCCAAGCCCCCCTGGGGAAGAGGAGG[C>T]CTCACCCGTCCCGCCGAATCCCCGCAAACAGCTTGTTCTCCATGTCGCCGTAGCACAGGC-3'

ClinVar aggregate classification (germline): Uncertain significance (1 of 4 stars; one submission).

Conditions:
Idiopathic Pulmonary Fibrosis. Also called: Idiopathic fibrosing alveolitis, chronic form; idiopathic fibrosing alveolitis. Identifiers: Orphanet 2032, MedGen C1800706, MeSH D054990, MONDO:0800504.
Dyskeratosis congenita, autosomal dominant 2. Identifiers: MedGen C3151443, MONDO:0013521, OMIM 613989.

Submission:

Labcorp Genetics (formerly Invitae), Labcorp
Classification: Uncertain significance for Dyskeratosis congenita, autosomal dominant 2; Idiopathic Pulmonary Fibrosis. Last evaluated: 2024-11-04. Review status: criteria provided, single submitter. Criteria: Invitae Variant Classification Sherloc (09022015). Collection method: clinical testing. Allele origin: germline.
Comment: This sequence change falls in intron 9 of the TERT gene. It does not directly change the encoded amino acid sequence of the TERT protein. It affects a nucleotide within the consensus splice site. This variant is not present in population databases (gnomAD no frequency). This variant has not been reported in the literature in individuals affected with TERT-related conditions. ClinVar contains an entry for this variant (Variation ID: 1432082). Variants that disrupt the consensus splice site are a relatively common cause of aberrant splicing (PMID: 17576681, 9536098). Algorithms developed to predict the effect of sequence changes on RNA splicing suggest that this variant is not likely to affect RNA splicing. In summary, the available evidence is currently insufficient to determine the role of this variant in disease. Therefore, it has been classified as a Variant of Uncertain Significance.

Literature cited by the submitters: PubMed 17576681; PubMed 9536098.